The following is an entry in ClinVar:

ClinVar aggregate classification (germline): Uncertain significance (1 of 4 stars; one submission).

Conditions:
Nemaline myopathy 2 (NEM2). Also called: Nemaline myopathy 2, autosomal recessive. Identifiers: MedGen C1850569, MONDO:0009725, OMIM 256030.

Submission:

Labcorp Genetics (formerly Invitae), Labcorp
Classification: Uncertain significance for Nemaline myopathy 2. Last evaluated: 2021-11-02. Review status: criteria provided, single submitter. Criteria: Invitae Variant Classification Sherloc (09022015). Collection method: clinical testing. Allele origin: germline.
Comment: In summary, the available evidence is currently insufficient to determine the role of this variant in disease. Therefore, it has been classified as a Variant of Uncertain Significance. Algorithms developed to predict the effect of missense changes on protein structure and function are either unavailable or do not agree on the potential impact of this missense change (SIFT: "Deleterious"; PolyPhen-2: "Not Available"; Align-GVGD: "Class C0"). This missense change has been observed in individual(s) with clinical features of nemaline myopathy (Invitae). This variant is not present in population databases (gnomAD no frequency). This sequence change replaces alanine, which is neutral and non-polar, with glycine, which is neutral and non-polar, at codon 1807 of the NEB protein (p.Ala1807Gly).

NM_001164508.2(NEB):c.5420C>G (p.Ala1807Gly)

Gene: NEB (nebulin; minus strand). Cytogenetic location: 2q23.3.
Variant type: single nucleotide variant.
Coding change: c.5420C>G on transcript NM_001164508.2 (MANE Select); coding-DNA position 5420, C replaced by G.
Protein change: p.Ala1807Gly; replaces alanine 1807 with glycine.
Molecular consequence: missense variant.
Genome position (GRCh38, 1-based): chr2:151,664,532, G>C on the plus strand (C>G on the coding strand, the complement: NEB is on the minus strand). VCF-style: chr2-151664532-G-C. GRCh37 (hg19) VCF-style: chr2-152521046-G-C.
Other names: c.5420C>G, p.Ala1807Gly (NM_001164507.2, NM_001271208.2, NM_004543.5); short protein forms A1807G.
Identifiers: ClinVar variation 1419138 (VCV001419138.6), dbSNP rs373790988, ClinGen allele CA348810315.